The following is an entry in ClinVar:

NM_000038.6(APC):c.5335A>G (p.Ile1779Val)

Gene: APC (APC regulator of Wnt signaling pathway; plus strand). Cytogenetic location: 5q22.2.
Variant type: single nucleotide variant.
Coding change: c.5335A>G on transcript NM_000038.6 (MANE Select); coding-DNA position 5335, A replaced by G.
Protein change: p.Ile1779Val; replaces isoleucine 1779 with valine.
Molecular consequence: missense variant.
Genome position (GRCh38, 1-based): chr5:112,840,929, A>G. VCF-style: chr5-112840929-A-G. GRCh37 (hg19) VCF-style: chr5-112176626-A-G.
Other names: c.5335A>G, p.Ile1779Val (NM_001127510.3, NM_001354895.2); c.5281A>G, p.Ile1761Val (NM_001127511.3); c.5389A>G, p.Ile1797Val (NM_001354896.2); c.5365A>G, p.Ile1789Val (NM_001354897.2); c.5260A>G, p.Ile1754Val (NM_001354898.2); c.5251A>G, p.Ile1751Val (NM_001354899.2); c.5212A>G, p.Ile1738Val (NM_001354900.2); c.5158A>G, p.Ile1720Val (NM_001354901.2); and 5 more; short protein forms I1761V, I1779V, I1619V, I1751V, I1754V, I1720V, I1789V, I1496V.
Identifiers: ClinVar variation 576430 (VCV000576430.40), dbSNP rs1255903182, ClinGen allele CA16032994.

ClinVar aggregate classification (germline): Uncertain significance. Review status: criteria provided, multiple submitters, no conflicts (2 of 4 stars). 8 submissions from 8 submitters: Uncertain significance (8). Last evaluated 2025-12-28.

Conditions:
Familial adenomatous polyposis 1 (FAP1). Also called: POLYPOSIS, ADENOMATOUS INTESTINAL; FAMILIAL ADENOMATOUS POLYPOSIS 1, ATTENUATED. Identifiers: MedGen C2713442, MONDO:0021056, OMIM 175100. Disease mechanism: loss of function.
Hereditary cancer-predisposing syndrome. Also called: Tumor predisposition; Hereditary Cancer Syndrome; Hereditary neoplastic syndrome; Neoplastic Syndromes, Hereditary. Identifiers: Orphanet 140162, MedGen C0027672, MeSH D009386, MONDO:0015356.
Classic or attenuated familial adenomatous polyposis. Identifiers: MedGen CN372698, MONDO:0021057.

Allele frequency attached by ClinVar (database versions not stated): gnomAD exomes below 0.00001.
gnomAD v4.1: 4 of 1,613,872 alleles (0.00025%); highest among the groups gnomAD compares: Admixed American, 0.0017%; no homozygotes.

Submissions (8):

Labcorp Genetics (formerly Invitae), Labcorp
Classification: Uncertain significance for Familial adenomatous polyposis 1. Last evaluated: 2025-12-28. Review status: criteria provided, single submitter. Criteria: Invitae Variant Classification Sherloc (09022015). Collection method: clinical testing. Allele origin: germline.
Comment: This sequence change replaces isoleucine, which is neutral and non-polar, with valine, which is neutral and non-polar, at codon 1779 of the APC protein (p.Ile1779Val). This variant is present in population databases (no rsID available, gnomAD 0.003%). This variant has not been reported in the literature in individuals affected with APC-related conditions. ClinVar contains an entry for this variant (Variation ID: 576430). Invitae Evidence Modeling of protein sequence and biophysical properties (such as structural, functional, and spatial information, amino acid conservation, physicochemical variation, residue mobility, and thermodynamic stability) indicates that this missense variant is not expected to disrupt APC protein function with a negative predictive value of 95%. In summary, the available evidence is currently insufficient to determine the role of this variant in disease. Therefore, it has been classified as a Variant of Uncertain Significance.

Quest Diagnostics Nichols Institute San Juan Capistrano
Classification: Uncertain significance. Last evaluated: 2024-11-05. Review status: criteria provided, single submitter. Criteria: Quest Diagnostics criteria. Collection method: clinical testing. Allele origin: unknown.
Comment: The APC c.5335A>G (p.Ile1779Val) variant has not been reported in individuals with APC-related conditions in the published literature. The frequency of this variant in the general population, 0.000004 (1/250594 chromosomes (Genome Aggregation Database)), is uninformative in the assessment of its pathogenicity. Analysis of this variant using bioinformatics tools for the prediction of the effect of amino acid changes on protein structure and function yielded predictions that this variant is benign. Based on the available information, we are unable to determine the clinical significance of this variant.

CeGaT Center for Human Genetics Tuebingen
Classification: Uncertain significance. Last evaluated: 2024-04-01. Review status: criteria provided, single submitter. Criteria: CeGaT Center For Human Genetics Tuebingen Variant Classification Criteria Version 2. Collection method: clinical testing. Allele origin: germline. Affected: yes. Observed: 1 variant allele.
Comment: APC: PM2, BP1, BP4

All of Us Research Program, National Institutes of Health
Classification: Uncertain significance for Classic or attenuated familial adenomatous polyposis. Last evaluated: 2024-03-05. Review status: criteria provided, single submitter. Criteria: ACMG Guidelines, 2015. Collection method: clinical testing. Allele origin: germline. Inheritance: Autosomal dominant inheritance. Observed: 1 variant allele, 1 heterozygote.
Comment: This study involves interpretation of variants in research participants for the purpose of population health screening. Participant phenotype was not available at the time of variant classification. Additional details can be found in publication PMID: 35346344, PMCID: PMC8962531

Ambry Genetics
Classification: Uncertain significance for Hereditary cancer-predisposing syndrome. Last evaluated: 2024-02-05. Review status: criteria provided, single submitter. Criteria: Ambry Variant Classification Scheme 2023. Collection method: clinical testing. Allele origin: germline.
Comment: The p.I1779V variant (also known as c.5335A>G), located in coding exon 15 of the APC gene, results from an A to G substitution at nucleotide position 5335. The isoleucine at codon 1779 is replaced by valine, an amino acid with highly similar properties. This amino acid position is poorly conserved in available vertebrate species. In addition, in silico predictors for this gene do not accurately predict pathogenicity. Since supporting evidence is limited at this time, the clinical significance of this alteration remains unclear.

Color Diagnostics, LLC DBA Color Health
Classification: Uncertain significance for Hereditary cancer-predisposing syndrome. Last evaluated: 2023-12-05. Review status: criteria provided, single submitter. Criteria: ACMG Guidelines, 2015. Collection method: clinical testing. Allele origin: germline.
Comment: This missense variant replaces isoleucine with valine at codon 1779 of the APC protein. Computational prediction suggests that this variant may not impact protein structure and function (internally defined REVEL score threshold <= 0.5, PMID: 27666373). To our knowledge, functional studies have not been reported for this variant. This variant has not been reported in individuals affected with APC-related disorders in the literature. This variant has been identified in 1/250594 chromosomes in the general population by the Genome Aggregation Database (gnomAD). The available evidence is insufficient to determine the role of this variant in disease conclusively. Therefore, this variant is classified as a Variant of Uncertain Significance.

GeneDx
Classification: Uncertain significance. Last evaluated: 2023-08-02. Review status: criteria provided, single submitter. Criteria: GeneDx Variant Classification Process June 2021. Collection method: clinical testing. Allele origin: germline. Affected: yes.
Comment: Not observed at significant frequency in large population cohorts (gnomAD); In silico analysis supports that this missense variant does not alter protein structure/function; Has not been previously published as pathogenic or benign to our knowledge; This variant is associated with the following publications: (PMID: 18199528)

Sema4
Classification: Uncertain significance for Hereditary cancer-predisposing syndrome. Last evaluated: 2021-06-04. Review status: criteria provided, single submitter. Criteria: Sema4 Curation Guidelines. Collection method: curation. Allele origin: germline.
Comment: The APC c.5335A>G (p.I1779V) variant has not been reported in the literature to our knowledge. It was observed in 1/34518 chromosomes in the Latino subpopulation in the large and broad cohorts of the Genome Aggregation Database (PMID: 32461654). The variant has been reported in ClinVar (Variation ID: 576430). In silico tools suggest the impact of the variant on protein function is inconclusive, though these predictions have not been confirmed by functional studies. The evidence is insufficient to meet ACMG/AMP criteria for classifying the variant as benign or pathogenic. Thus, the clinical significance of this variant is currently uncertain.